The following is an entry in ClinVar:

NM_001211.6(BUB1B):c.171G>C (p.Gln57His)

Gene: BUB1B (BUB1 mitotic checkpoint serine/threonine kinase B; plus strand). Cytogenetic location: 15q15.1.
Variant type: single nucleotide variant.
Coding change: c.171G>C on transcript NM_001211.6 (MANE Select); coding-DNA position 171, G replaced by C.
Protein change: p.Gln57His; replaces glutamine 57 with histidine.
Molecular consequence: missense variant.
Genome position (GRCh38, 1-based): chr15:40,165,188, G>C. VCF-style: chr15-40165188-G-C. GRCh37 (hg19) VCF-style: chr15-40457389-G-C.
Other names: short protein forms Q57H.
Identifiers: ClinVar variation 2866038 (VCV002866038.3), dbSNP rs777530306, ClinGen allele CA391677330.

ClinVar aggregate classification (germline): Uncertain significance (1 of 4 stars; one submission).

Conditions:
Mosaic variegated aneuploidy syndrome 1 (MVA1). Also called: Warburton-Anyane-Yeboa syndrome. Identifiers: Orphanet 1052, MedGen C1850343, MONDO:0009759, OMIM 257300.

Submission:

Labcorp Genetics (formerly Invitae), Labcorp
Classification: Uncertain significance for Mosaic variegated aneuploidy syndrome 1. Last evaluated: 2023-05-20. Review status: criteria provided, single submitter. Criteria: Invitae Variant Classification Sherloc (09022015). Collection method: clinical testing. Allele origin: germline.
Comment: In summary, the available evidence is currently insufficient to determine the role of this variant in disease. Therefore, it has been classified as a Variant of Uncertain Significance. This sequence change replaces glutamine, which is neutral and polar, with histidine, which is basic and polar, at codon 57 of the BUB1B protein (p.Gln57His). This variant is not present in population databases (gnomAD no frequency). This variant has not been reported in the literature in individuals affected with BUB1B-related conditions. An algorithm developed to predict the effect of missense changes on protein structure and function (PolyPhen-2) suggests that this variant is likely to be disruptive.